The following is an entry in ClinVar:

ClinVar aggregate classification (germline): Uncertain significance (1 of 4 stars; one submission).

gnomAD v4.1: 15 of 1,613,654 alleles (0.00093%); highest among the groups gnomAD compares: Non-Finnish European, 0.0013%; no homozygotes.

Submission:

Ambry Genetics
Classification: Uncertain significance. Last evaluated: 2024-11-18. Review status: criteria provided, single submitter. Criteria: Ambry Variant Classification Scheme 2023. Collection method: clinical testing. Allele origin: germline.
Comment: The p.H262D variant (also known as c.784C>G), located in coding exon 7 of the RAD51B gene, results from a C to G substitution at nucleotide position 784. The histidine at codon 262 is replaced by aspartic acid, an amino acid with similar properties. This amino acid position is conserved. In addition, this alteration is predicted to be tolerated by in silico analysis. Based on the available evidence, the clinical significance of this variant remains unclear.

NM_133510.4(RAD51B):c.784C>G (p.His262Asp)

Gene: RAD51B (RAD51 paralog B; plus strand). Cytogenetic location: 14q24.1.
Variant type: single nucleotide variant.
Coding change: c.784C>G on transcript NM_133510.4 (MANE Select); coding-DNA position 784, C replaced by G.
Protein change: p.His262Asp; replaces histidine 262 with aspartic acid.
Molecular consequence: missense variant.
Genome position (GRCh38, 1-based): chr14:68,291,911, C>G. VCF-style: chr14-68291911-C-G. GRCh37 (hg19) VCF-style: chr14-68758628-C-G.
Other names: c.784C>G, p.His262Asp (NM_001321809.2, NM_001321810.2, NM_001321812.1 and 6 more transcripts); c.670C>G, p.His224Asp (NM_001321815.1); c.427C>G, p.His143Asp (NM_001321817.2); short protein forms H143D, H224D, H262D.
Identifiers: ClinVar variation 3429625 (VCV003429625.1).